The following is an entry in ClinVar:

ClinVar aggregate classification (germline): Likely benign. Review status: criteria provided, multiple submitters, no conflicts (2 of 4 stars). 2 submissions from 2 submitters: Likely benign (2). Last evaluated 2026-01-01.

Allele frequency attached by ClinVar (database versions not stated): ExAC below 0.00001; TOPMed 0.00002.
gnomAD v4.1: 42 of 1,459,360 alleles (0.0029%); highest among the groups gnomAD compares: Non-Finnish European, 0.0036%; no homozygotes.

Submissions (2):

CeGaT Center for Human Genetics Tuebingen
Classification: Likely benign. Last evaluated: 2026-01-01. Review status: criteria provided, single submitter. Criteria: CeGaT Center For Human Genetics Tuebingen Variant Classification Criteria Version 2. Collection method: clinical testing. Allele origin: germline. Affected: yes. Observed: 1 variant allele.
Comment: ADAT3: BP4, BP7

Labcorp Genetics (formerly Invitae), Labcorp
Classification: Likely benign. Last evaluated: 2018-02-28. Review status: criteria provided, single submitter. Criteria: Invitae Variant Classification Sherloc (09022015). Collection method: clinical testing. Allele origin: germline.

NM_138422.4(ADAT3):c.36G>A (p.Ser12=)

Genes: ADAT3 (adenosine deaminase tRNA specific 3; plus strand), SCAMP4 (secretory carrier membrane protein 4; plus strand). Cytogenetic location: 19p13.3.
Variant type: single nucleotide variant.
Coding change: c.36G>A on transcript NM_138422.4 (MANE Select); coding-DNA position 36, G replaced by A.
Protein change: p.Ser12=; no amino-acid change (serine 12 retained).
Molecular consequence: synonymous variant. On other transcripts: 5 prime UTR variant (1), intron variant (3).
Genome position (GRCh38, 1-based): chr19:1,912,083, G>A. VCF-style: chr19-1912083-G-A. GRCh37 (hg19) VCF-style: chr19-1912082-G-A.
Other names: c.-13G>A (NM_001329533.2); c.-41-2896G>A (NM_079834.4, NM_001329540.2); c.-125-5611G>A (NM_001329539.2).
Identifiers: ClinVar variation 771509 (VCV000771509.7), dbSNP rs546800224, ClinGen allele CA9054468.